The following is an entry in ClinVar:

ClinVar aggregate classification (germline): Uncertain significance (1 of 4 stars; one submission).

Conditions:
Inborn genetic diseases. Identifiers: MedGen C0950123, MeSH D030342.

Allele frequency attached by ClinVar (database versions not stated): ExAC 0.00001; gnomAD exomes 0.00001.
gnomAD v4.1: 20 of 1,613,988 alleles (0.0012%); highest among the groups gnomAD compares: Admixed American, 0.0033%; no homozygotes.

Submission:

Ambry Genetics
Classification: Uncertain significance for Inborn genetic diseases. Last evaluated: 2023-06-05. Review status: criteria provided, single submitter. Criteria: Ambry Variant Classification Scheme 2023. Collection method: clinical testing. Allele origin: germline.
Comment: The c.8450A>C (p.D2817A) alteration is located in exon 42 (coding exon 42) of the DST gene. This alteration results from a A to C substitution at nucleotide position 8450, causing the aspartic acid (D) at amino acid position 2817 to be replaced by an alanine (A). Based on data from gnomAD, the C allele has an overall frequency of 0.001% (2/248884) total alleles studied. The highest observed frequency was 0.006% (2/34514) of Latino alleles. This amino acid position is poorly conserved in available vertebrate species, and alanine is the reference amino acid in other vertebrate species. This alteration is predicted to be tolerated by in silico analysis. Based on insufficient or conflicting evidence, the clinical significance of this alteration remains unclear.

NM_001374736.1(DST):c.16319A>C (p.Asp5440Ala)

Gene: DST (dystonin; minus strand). Cytogenetic location: 6p12.1.
Variant type: single nucleotide variant.
Coding change: c.16319A>C on transcript NM_001374736.1 (MANE Select); coding-DNA position 16319, A replaced by C.
Protein change: p.Asp5440Ala; replaces aspartic acid 5440 with alanine.
Molecular consequence: missense variant.
Genome position (GRCh38, 1-based): chr6:56,552,473, T>G on the plus strand (A>C on the coding strand, the complement: DST is on the minus strand). VCF-style: chr6-56552473-T-G. GRCh37 (hg19) VCF-style: chr6-56417271-T-G.
Other names: c.9962A>C, p.Asp3321Ala (NM_001144769.5); c.9548A>C, p.Asp3183Ala (NM_001144770.2); c.16319A>C, p.Asp5440Ala (NM_001374722.1); c.15686A>C, p.Asp5229Ala (NM_001374729.1); c.9428A>C, p.Asp3143Ala (NM_001374730.1, NM_001386100.1, NM_183380.4); c.16346A>C, p.Asp5449Ala (NM_001374734.1); c.8450A>C, p.Asp2817Ala (NM_015548.5); short protein forms D2817A, D3183A, D3143A, D5229A, D5449A, D3321A, D5440A.
Identifiers: ClinVar variation 2523134 (VCV002523134.2), dbSNP rs762337729, ClinGen allele CA3867694.